The following is an entry in ClinVar:

ClinVar aggregate classification (germline): Uncertain significance (1 of 4 stars; one submission).

Conditions:
Cardiovascular phenotype. Identifiers: MedGen CN230736.

gnomAD v4.1: 1 of 1,206,511 alleles (0.000083%); no homozygotes.

Submission:

Ambry Genetics
Classification: Uncertain significance for Cardiovascular phenotype. Last evaluated: 2021-03-16. Review status: criteria provided, single submitter. Criteria: Ambry Variant Classification Scheme 2023. Collection method: clinical testing. Allele origin: germline.
Comment: The p.S2048I variant (also known as c.6143G>T), located in coding exon 43 of the DMD gene, results from a G to T substitution at nucleotide position 6143. The serine at codon 2048 is replaced by isoleucine, an amino acid with dissimilar properties. In addition, this alteration is predicted to be tolerated by in silico analysis. Since supporting evidence is limited at this time, the clinical significance of this alteration remains unclear.

NM_004006.3(DMD):c.6143G>T (p.Ser2048Ile)

Gene: DMD (dystrophin; minus strand). Cytogenetic location: Xp21.1.
Variant type: single nucleotide variant.
Coding change: c.6143G>T on transcript NM_004006.3 (MANE Select); coding-DNA position 6143, G replaced by T.
Protein change: p.Ser2048Ile; replaces serine 2048 with isoleucine.
Molecular consequence: missense variant.
Genome position (GRCh38, 1-based): chrX:32,287,676, C>A on the plus strand (G>T on the coding strand, the complement: DMD is on the minus strand). VCF-style: chrX-32287676-C-A. GRCh37 (hg19) VCF-style: chrX-32305793-C-A.
Other names: c.6119G>T, p.Ser2040Ile (NM_000109.4); c.6131G>T, p.Ser2044Ile (NM_004009.3); c.5774G>T, p.Ser1925Ile (NM_004010.3); c.2120G>T, p.Ser707Ile (NM_004011.4); c.2111G>T, p.Ser704Ile (NM_004012.4); short protein forms S1925I, S2048I, S707I, S704I, S2044I, S2040I.
Identifiers: ClinVar variation 1751843 (VCV001751843.2), dbSNP rs200494003, ClinGen allele CA412666501.